The following is an entry in ClinVar:

ClinVar aggregate classification (germline): Uncertain significance (1 of 4 stars; one submission).

Conditions:
Developmental and epileptic encephalopathy, 34 (DEE34). Also called: Early infantile epileptic encephalopathy 34; SLC12A5-Related Epilepsy of Infancy with Migrating Focal Seizures. Identifiers: Orphanet 293181, MedGen C4225257, MONDO:0014718, OMIM 616645.

Allele frequency attached by ClinVar (database versions not stated): ExAC 0.00001; gnomAD 0.00001; TOPMed 0.00001; gnomAD exomes 0.00002.
gnomAD v4.1: 27 of 1,614,084 alleles (0.0017%); highest among the groups gnomAD compares: Middle Eastern, 0.016%; no homozygotes.

Submission:

Labcorp Genetics (formerly Invitae), Labcorp
Classification: Uncertain significance for Developmental and epileptic encephalopathy, 34. Last evaluated: 2022-11-29. Review status: criteria provided, single submitter. Criteria: Invitae Variant Classification Sherloc (09022015). Collection method: clinical testing. Allele origin: germline.
Comment: In summary, the available evidence is currently insufficient to determine the role of this variant in disease. Therefore, it has been classified as a Variant of Uncertain Significance. Advanced modeling of protein sequence and biophysical properties (such as structural, functional, and spatial information, amino acid conservation, physicochemical variation, residue mobility, and thermodynamic stability) performed at Invitae indicates that this missense variant is not expected to disrupt SLC12A5 protein function. ClinVar contains an entry for this variant (Variation ID: 1499809). This variant has not been reported in the literature in individuals affected with SLC12A5-related conditions. This variant is present in population databases (rs758888959, gnomAD 0.004%). This sequence change replaces threonine, which is neutral and polar, with methionine, which is neutral and non-polar, at codon 949 of the SLC12A5 protein (p.Thr949Met).

NM_020708.5(SLC12A5):c.2846C>T (p.Thr949Met)

Gene: SLC12A5 (solute carrier family 12 member 5; plus strand). Cytogenetic location: 20q13.12.
Variant type: single nucleotide variant.
Coding change: c.2846C>T on transcript NM_020708.5 (MANE Select); coding-DNA position 2846, C replaced by T.
Protein change: p.Thr949Met; replaces threonine 949 with methionine.
Molecular consequence: missense variant.
Genome position (GRCh38, 1-based): chr20:46,056,208, C>T. VCF-style: chr20-46056208-C-T. GRCh37 (hg19) VCF-style: chr20-44684847-C-T.
Other names: c.2915C>T, p.Thr972Met (NM_001134771.2); short protein forms T949M, T972M.
Identifiers: ClinVar variation 1499809 (VCV001499809.7), dbSNP rs758888959, ClinGen allele CA9887720.